The following is an entry in ClinVar:

ClinVar aggregate classification (germline): Uncertain significance (0 of 4 stars; one submission).

Conditions:
PLXNA2-related disorder. Also called: PLXNA2-related condition.

Submission:

PreventionGenetics, part of Exact Sciences
Classification: Uncertain significance for PLXNA2-related condition. Last evaluated: 2024-02-09. Review status: no assertion criteria provided. Collection method: clinical testing. Allele origin: germline.
Comment: The PLXNA2 c.1781G>C variant is predicted to result in the amino acid substitution p.Cys594Ser. To our knowledge, this variant has not been reported in the literature or in a large population database, indicating this variant is rare. At this time, the clinical significance of this variant is uncertain due to the absence of conclusive functional and genetic evidence.

NM_025179.4(PLXNA2):c.1781G>C (p.Cys594Ser)

Gene: PLXNA2 (plexin A2; minus strand). Cytogenetic location: 1q32.2.
Variant type: single nucleotide variant.
Coding change: c.1781G>C on transcript NM_025179.4 (MANE Select); coding-DNA position 1781, G replaced by C.
Protein change: p.Cys594Ser; replaces cysteine 594 with serine.
Molecular consequence: missense variant.
Genome position (GRCh38, 1-based): chr1:208,096,834, C>G on the plus strand (G>C on the coding strand, the complement: PLXNA2 is on the minus strand). VCF-style: chr1-208096834-C-G. GRCh37 (hg19) VCF-style: chr1-208270179-C-G.
Other names: short protein forms C594S.
Identifiers: ClinVar variation 3349924 (VCV003349924.1).